The following is an entry in ClinVar:

ClinVar aggregate classification (germline): Conflicting classifications of pathogenicity. Review status: criteria provided, conflicting classifications (1 of 4 stars). 4 submissions from 4 submitters: Likely pathogenic (1); Uncertain significance (3). Last evaluated 2025-02-07.

Conditions:
Mitochondrial trifunctional protein deficiency 2 (MTPD2). Identifiers: MedGen C5830374, MONDO:0958185, OMIM 620300.
Mitochondrial trifunctional protein deficiency. Identifiers: Orphanet 746, MedGen C1969443, MONDO:0012172.

Allele frequency attached by ClinVar (database versions not stated): TOPMed below 0.00001; gnomAD 0.00001; ExAC 0.00002; gnomAD exomes 0.00003; ESP Exome Variant Server 0.00008.
gnomAD v4.1: 40 of 1,578,344 alleles (0.0025%); highest among the groups gnomAD compares: Non-Finnish European, 0.003%; no homozygotes.

Submissions (4):

GeneDx
Classification: Uncertain significance. Last evaluated: 2025-02-07. Review status: criteria provided, single submitter. Criteria: GeneDx Variant Classification Process June 2021. Collection method: clinical testing. Allele origin: germline. Affected: yes.
Comment: Not observed at significant frequency in large population cohorts (gnomAD); In silico analysis supports that this missense variant has a deleterious effect on protein structure/function; Reported as a heterozygous variant in a patient with mitochondrial trifunctional protein deficiency in the published literature; however, a second variant in HADHB was not reported (PMID: 15902556); This variant is associated with the following publications: (PMID: 17431731, 21549624, 15902556, 25087612)

Blueprint Genetics
Classification: Uncertain significance. Last evaluated: 2024-11-07. Review status: criteria provided, single submitter. Criteria: ACMG Guidelines, 2015. Collection method: clinical testing. Allele origin: germline.

Baylor Genetics
Classification: Likely pathogenic for Mitochondrial trifunctional protein deficiency 2. Last evaluated: 2023-06-29. Review status: criteria provided, single submitter. Criteria: ACMG Guidelines, 2015. Collection method: clinical testing. Allele origin: unknown.

Labcorp Genetics (formerly Invitae), Labcorp
Classification: Uncertain significance for Mitochondrial trifunctional protein deficiency. Last evaluated: 2022-05-28. Review status: criteria provided, single submitter. Criteria: Invitae Variant Classification Sherloc (09022015). Collection method: clinical testing. Allele origin: germline.
Comment: This sequence change replaces asparagine, which is neutral and polar, with serine, which is neutral and polar, at codon 114 of the HADHB protein (p.Asn114Ser). This variant is present in population databases (rs146328300, gnomAD 0.006%). This missense change has been observed in individual(s) with clinical features of mitochondrial trifunctional protein deficiency (PMID: 15902556). Algorithms developed to predict the effect of missense changes on protein structure and function are either unavailable or do not agree on the potential impact of this missense change (SIFT: "Deleterious"; PolyPhen-2: "Probably Damaging"; Align-GVGD: "Class C0"). In summary, the available evidence is currently insufficient to determine the role of this variant in disease. Therefore, it has been classified as a Variant of Uncertain Significance.

Literature cited by the submitters: PubMed 15902556 (cited by Labcorp Genetics (formerly Invitae), Labcorp).

NM_000183.3(HADHB):c.341A>G (p.Asn114Ser)

Gene: HADHB (hydroxyacyl-CoA dehydrogenase trifunctional multienzyme complex subunit beta; plus strand). Cytogenetic location: 2p23.3.
Variant type: single nucleotide variant.
Coding change: c.341A>G on transcript NM_000183.3 (MANE Select); coding-DNA position 341, A replaced by G.
Protein change: p.Asn114Ser; replaces asparagine 114 with serine.
Molecular consequence: missense variant.
Genome position (GRCh38, 1-based): chr2:26,273,737, A>G. VCF-style: chr2-26273737-A-G. GRCh37 (hg19) VCF-style: chr2-26496605-A-G.
Other names: c.296A>G, p.Asn99Ser (NM_001281512.2); c.275A>G, p.Asn92Ser (NM_001281513.2); c.341A>G (NM_000183.2); short protein forms N92S, N114S, N99S.
Identifiers: ClinVar variation 2084834 (VCV002084834.4), dbSNP rs146328300, ClinGen allele CA1560181.